The following is an entry in ClinVar:

ClinVar aggregate classification (germline): Likely benign. Review status: criteria provided, multiple submitters, no conflicts (2 of 4 stars). 3 submissions from 3 submitters: Likely benign (3). Last evaluated 2026-05-01.

Conditions:
Cardiovascular phenotype. Identifiers: MedGen CN230736.
Dilated cardiomyopathy 1G (CMD1G). Identifiers: Orphanet 154, MedGen C1858763, MONDO:0011400, OMIM 604145.
Autosomal recessive limb-girdle muscular dystrophy type 2J (LGMDR10). Also called: Limb-girdle muscular dystrophy, type 2J; MUSCULAR DYSTROPHY, LIMB-GIRDLE, AUTOSOMAL RECESSIVE 10. Identifiers: Orphanet 140922, MedGen C1837342, MONDO:0012127, OMIM 608807.

Allele frequency attached by ClinVar (database versions not stated): ExAC 0.00002.
gnomAD v4.1: 9 of 1,613,636 alleles (0.00056%); highest among the groups gnomAD compares: Admixed American, 0.013%; no homozygotes.

Submissions (3):

CeGaT Center for Human Genetics Tuebingen
Classification: Likely benign. Last evaluated: 2026-05-01. Review status: criteria provided, single submitter. Criteria: CeGaT Center For Human Genetics Tuebingen Variant Classification Criteria Version 2. Collection method: clinical testing. Allele origin: germline. Affected: yes. Observed: 1 variant allele.
Comment: TTN: BP4, BP7

Labcorp Genetics (formerly Invitae), Labcorp
Classification: Likely benign for Dilated cardiomyopathy 1G; Autosomal recessive limb-girdle muscular dystrophy type 2J. Last evaluated: 2025-08-04. Review status: criteria provided, single submitter. Criteria: Invitae Variant Classification Sherloc (09022015). Collection method: clinical testing. Allele origin: germline.

Ambry Genetics
Classification: Likely benign for Cardiovascular phenotype. Last evaluated: 2023-09-24. Review status: criteria provided, single submitter. Criteria: Ambry Variant Classification Scheme 2023. Collection method: clinical testing. Allele origin: germline.

NM_001267550.2(TTN):c.103266C>T (p.His34422=)

Genes: TTN (titin; minus strand), TTN-AS1 (TTN antisense RNA 1; plus strand). Cytogenetic location: 2q31.2.
Variant type: single nucleotide variant.
Coding change: c.103266C>T on transcript NM_001267550.2 (MANE Select); coding-DNA position 103266, C replaced by T.
Protein change: p.His34422=; no amino-acid change (histidine 34422 retained).
Molecular consequence: synonymous variant.
Genome position (GRCh38, 1-based): chr2:178,533,349, G>A on the plus strand (C>T on the coding strand, the complement: TTN is on the minus strand). VCF-style: chr2-178533349-G-A. GRCh37 (hg19) VCF-style: chr2-179398076-G-A.
Other names: c.98343C>T, p.His32781= (NM_001256850.1); c.76071C>T, p.His25357= (NM_003319.4); c.95562C>T, p.His31854= (NM_133378.4); c.76446C>T, p.His25482= (NM_133432.3); c.76647C>T, p.His25549= (NM_133437.4).
Identifiers: ClinVar variation 2191916 (VCV002191916.7), dbSNP rs753325104, ClinGen allele CA1985635.